The following is an entry in ClinVar:

NM_000256.3(MYBPC3):c.2800del (p.Leu934fs)

Gene: MYBPC3 (myosin binding protein C3; minus strand). Cytogenetic location: 11p11.2.
Variant type: Deletion.
Coding change: c.2800del on transcript NM_000256.3 (MANE Select); coding-DNA position 2800, one base deleted (C; older notation c.2800delC).
Protein change: p.Leu934fs; shifts the reading frame from leucine 934.
Molecular consequence: frameshift variant.
Genome position (GRCh38, 1-based): chr11:47,335,147, G deleted on the plus strand (C on the coding strand, the reverse complement: MYBPC3 is on the minus strand); the first of 2 consecutive G bases (chr11:47,335,147-47,335,148); deleting either gives the same sequence. VCF-style (leftmost placement, unchanged base first): chr11-47335146-AG-A. GRCh37 (hg19) VCF-style: chr11-47356697-AG-A.
Other names: short protein forms L934fs.
Identifiers: ClinVar variation 4820442 (VCV004820442.1).

ClinVar aggregate classification (germline): Likely pathogenic (1 of 4 stars; one submission).

Conditions:
Cardiovascular phenotype. Identifiers: MedGen CN230736.

Submission:

Molecular Diagnostic Laboratory for Inherited Cardiovascular Disease, Montreal Heart Institute
Classification: Likely pathogenic for Cardiovascular phenotype. Last evaluated: 2025-12-03. Review status: criteria provided, single submitter. Criteria: ACMG Guidelines, 2015. Collection method: clinical testing. Allele origin: germline. Affected: yes.
Comment: PVS1, PM2